The following is an entry in ClinVar:

NM_004369.4(COL6A3):c.6981A>G (p.Glu2327=)

Gene: COL6A3 (collagen type VI alpha 3 chain; minus strand). Cytogenetic location: 2q37.3.
Variant type: single nucleotide variant.
Coding change: c.6981A>G on transcript NM_004369.4 (MANE Select); coding-DNA position 6981, A replaced by G.
Protein change: p.Glu2327=; no amino-acid change (glutamic acid 2327 retained).
Molecular consequence: synonymous variant.
Genome position (GRCh38, 1-based): chr2:237,347,855, T>C on the plus strand (A>G on the coding strand, the complement: COL6A3 is on the minus strand). VCF-style: chr2-237347855-T-C. GRCh37 (hg19) VCF-style: chr2-238256498-T-C.
Other names: p.Glu2327=; c.5160A>G, p.Glu1720= (NM_057166.5); c.6363A>G, p.Glu2121= (NM_057167.4).
Identifiers: ClinVar variation 94977 (VCV000094977.30), dbSNP rs35993209, ClinGen allele CA148012.

ClinVar aggregate classification (germline): Benign. Review status: criteria provided, multiple submitters, no conflicts (2 of 4 stars). 11 submissions from 11 submitters: Benign (9). 2 of the submissions do not count toward it. Last evaluated 2026-02-02.

Conditions:
Collagen 6-related myopathy. Identifiers: MedGen CN117976, MONDO:0100225.
Bethlem myopathy 1A. Also called: Bethlem myopathy 1; Bethlem Muscular Dystrophy; MYOPATHY, BENIGN CONGENITAL, WITH CONTRACTURES. Identifiers: Orphanet 610, MedGen CN029274, MONDO:0024530, OMIM 158810.

Allele frequency attached by ClinVar (database versions not stated): 1000 Genomes Project 0.02037; gnomAD exomes 0.00205 and 0.00498; gnomAD 0.01720 and 0.01827; ExAC 0.00794; TOPMed 0.01921; 1000 Genomes Project 30x 0.02280; ESP Exome Variant Server 0.01838.
gnomAD v4.1: 5,807 of 1,610,310 alleles (0.36%); highest among the groups gnomAD compares: African/African-American, 5.8%; 162 homozygotes.

Submissions (14):

Labcorp Genetics (formerly Invitae), Labcorp
Classification: Benign for Bethlem myopathy 1A. Last evaluated: 2026-02-02. Review status: criteria provided, single submitter. Criteria: Invitae Variant Classification Sherloc (09022015). Collection method: clinical testing. Allele origin: germline.

Athena Diagnostics
Classification: Benign. Last evaluated: 2024-06-10. Review status: criteria provided, single submitter. Criteria: Athena Diagnostics Criteria. Collection method: clinical testing. Allele origin: unknown.

Mayo Clinic Laboratories, Mayo Clinic
Classification: Benign. Last evaluated: 2018-11-16. Review status: criteria provided, single submitter. Criteria: ACMG Guidelines, 2015. Collection method: clinical testing. Allele origin: germline. Observed: 6 variant alleles.

Illumina Laboratory Services, Illumina
Classification: Benign for Collagen VI-related myopathy. Last evaluated: 2018-01-13. Review status: criteria provided, single submitter. Criteria: ICSL Variant Classification Criteria 13 December 2019. Collection method: clinical testing. Allele origin: germline.
Comment: This variant was observed in the ICSL laboratory as part of a predisposition screen in an ostensibly healthy population. It had not been previously curated by ICSL or reported in the Human Gene Mutation Database (HGMD: prior to June 1st, 2018), and was therefore a candidate for classification through an automated scoring system. Utilizing variant allele frequency, disease prevalence and penetrance estimates, and inheritance mode, an automated score was calculated to assess if this variant is too frequent to cause the disease. Based on the score and internal cut-off values, a variant classified as benign is not then subjected to further curation. The score for this variant resulted in a classification of benign for this disease.

GeneDx
Classification: Benign. Last evaluated: 2016-08-16. Review status: criteria provided, single submitter. Criteria: GeneDx Variant Classification (06012015). Collection method: clinical testing. Allele origin: germline. Affected: yes.
Comment: This variant is considered likely benign or benign based on one or more of the following criteria: it is a conservative change, it occurs at a poorly conserved position in the protein, it is predicted to be benign by multiple in silico algorithms, and/or has population frequency not consistent with disease.

PreventionGenetics, part of Exact Sciences
Classification: Benign. Last evaluated: 2016-04-01. Review status: criteria provided, single submitter. Criteria: ACMG Guidelines, 2015. Collection method: clinical testing. Allele origin: germline.

Genetic Services Laboratory, University of Chicago
Classification: Benign for AllHighlyPenetrant. Last evaluated: 2013-08-15. Review status: criteria provided, single submitter. Criteria: ACMG Guidelines, 2007. Collection method: clinical testing. Allele origin: germline.

Eurofins Ntd Llc (ga)
Classification: Benign. Last evaluated: 2012-07-17. Review status: criteria provided, single submitter. Criteria: EGL Classification Definitions 2015. Collection method: clinical testing. Allele origin: germline. Observed: 4 variant alleles, 4 heterozygotes.

Breakthrough Genomics
Classification: Benign. Review status: criteria provided, single submitter. Criteria: ACMG Guidelines, 2015. Collection method: not provided. Allele origin: germline. Inheritance: Autosomal recessive inheritance. Affected: yes.

Clinical Genetics, Academic Medical Center
Classification: Benign. Review status: no assertion criteria provided. Collection method: clinical testing. Allele origin: germline. Affected: yes. Study: VKGL Data-share Consensus. Not counted in ClinVar's aggregate classification.

Dr. Peter K. Rogan Lab, Western University
No classification provided (evidence only). Condition: Colon adenocarcinoma. Review status: no classification provided. Collection method: in vitro. Allele origin: not applicable. Functional consequence: retained intron. Not counted in ClinVar's aggregate classification.

Dr. Peter K. Rogan Lab, Western University
No classification provided (evidence only). Condition: Nonpapillary renal cell carcinoma. Review status: no classification provided. Collection method: in vitro. Allele origin: not applicable. Functional consequence: retained intron. Not counted in ClinVar's aggregate classification.

Dr. Peter K. Rogan Lab, Western University
No classification provided (evidence only). Condition: Ovarian serous cystadenocarcinoma. Review status: no classification provided. Collection method: in vitro. Allele origin: not applicable. Functional consequence: retained intron. Not counted in ClinVar's aggregate classification.

Laboratory of Diagnostic Genome Analysis, Leiden University Medical Center (LUMC)
Classification: Likely benign. Review status: no assertion criteria provided. Collection method: clinical testing. Allele origin: germline. Affected: yes. Study: VKGL Data-share Consensus. Not counted in ClinVar's aggregate classification.